The following is an entry in ClinVar:

NM_002049.4(GATA1):c.745-3T>C

Gene: GATA1 (GATA binding protein 1; plus strand). Cytogenetic location: Xp11.23.
Variant type: single nucleotide variant.
Coding change: c.745-3T>C on transcript NM_002049.4 (MANE Select); 3 bases into the intron before coding-DNA position 745, T replaced by C.
Molecular consequence: intron variant.
Genome position (GRCh38, 1-based): chrX:48,793,169, T>C. VCF-style: chrX-48793169-T-C. GRCh37 (hg19) VCF-style: chrX-48651576-T-C.
Identifiers: ClinVar variation 3761382 (VCV003761382.2).

ClinVar aggregate classification (germline): Uncertain significance (1 of 4 stars; one submission).

Conditions:
GATA binding protein 1 related thrombocytopenia with dyserythropoiesis. Also called: GATA1-Related X-Linked Cytopenia; GATA1-Related Cytopenia. Identifiers: MedGen C1845837, MONDO:0100089.
Diamond-Blackfan anemia. Also called: Blackfan Diamond syndrome; Aregenerative anemia chronic congenital; Red cell aplasia, pure hereditary; Congenital hypoplastic anemia; Aase syndrome. Identifiers: Orphanet 124, MedGen C1260899, MeSH D029503, MONDO:0015253, HP:0004810.

gnomAD v4.1: 1 of 1,210,190 alleles (0.000083%); highest among the groups gnomAD compares: African/African-American, 0.0017%; no homozygotes.

Submission:

Labcorp Genetics (formerly Invitae), Labcorp
Classification: Uncertain significance for GATA binding protein 1 related thrombocytopenia with dyserythropoiesis; Diamond-Blackfan anemia. Last evaluated: 2025-07-27. Review status: criteria provided, single submitter. Criteria: Invitae Variant Classification Sherloc (09022015). Collection method: clinical testing. Allele origin: germline.
Comment: This sequence change falls in intron 4 of the GATA1 gene. It does not directly change the encoded amino acid sequence of the GATA1 protein. It affects a nucleotide within the consensus splice site. This variant is not present in population databases (gnomAD no frequency). This variant has not been reported in the literature in individuals affected with GATA1-related conditions. ClinVar contains an entry for this variant (Variation ID: 3761382). Variants that disrupt the consensus splice site are a relatively common cause of aberrant splicing (PMID: 17576681, 9536098). Algorithms developed to predict the effect of sequence changes on RNA splicing suggest that this variant is not likely to affect RNA splicing. In summary, the available evidence is currently insufficient to determine the role of this variant in disease. Therefore, it has been classified as a Variant of Uncertain Significance.

Literature cited by the submitters: PubMed 17576681; PubMed 9536098.